The following is an entry in ClinVar:

NM_052854.4(CREB3L1):c.46G>T (p.Gly16Ter)

Gene: CREB3L1 (cAMP responsive element binding protein 3 like 1; plus strand). Cytogenetic location: 11p11.2.
Variant type: single nucleotide variant.
Coding change: c.46G>T on transcript NM_052854.4 (MANE Select); coding-DNA position 46, G replaced by T.
Protein change: p.Gly16Ter; replaces glycine 16 with a stop codon.
Molecular consequence: nonsense.
Genome position (GRCh38, 1-based): chr11:46,278,157, G>T. VCF-style: chr11-46278157-G-T. GRCh37 (hg19) VCF-style: chr11-46299708-G-T.
Other names: short protein forms G16*.
Identifiers: ClinVar variation 432650 (VCV000432650.2), dbSNP rs1555221055, ClinGen allele CA380204574.

ClinVar aggregate classification (germline): Uncertain significance (1 of 4 stars; one submission).

Allele frequency attached by ClinVar (database versions not stated): gnomAD 0.00001; TOPMed 0.00001.

Submission:

GeneDx
Classification: Uncertain significance. Last evaluated: 2017-06-13. Review status: criteria provided, single submitter. Criteria: GeneDx Variant Classification (06012015). Collection method: clinical testing. Allele origin: germline. Affected: yes.
Comment: The G16X variant in the CREB3L1 gene has not been reported previously as a pathogenic variant nor as a benign variant, to our knowledge. This variant is predicted to cause loss of normal protein function either through protein truncation or nonsense-mediated mRNA decay. The G16X variant is not observed in large population cohorts (Lek et al., 2016; 1000 Genomes Consortium et al., 2015; Exome Variant Server). We interpret G16X as a variant of uncertain significance.